The following is an entry in ClinVar:

NM_001042492.3(NF1):c.205-14A>G

Gene: NF1 (neurofibromin 1; plus strand). Cytogenetic location: 17q11.2.
Variant type: single nucleotide variant.
Coding change: c.205-14A>G on transcript NM_001042492.3 (MANE Select); 14 bases into the intron before coding-DNA position 205, A replaced by G.
Molecular consequence: intron variant.
Genome position (GRCh38, 1-based): chr17:31,158,996, A>G. VCF-style: chr17-31158996-A-G. GRCh37 (hg19) VCF-style: chr17-29486014-A-G.
Other names: c.205-14A>G (NM_000267.4, NM_001128147.3).
Identifiers: ClinVar variation 2829615 (VCV002829615.4), dbSNP rs2544690172, ClinGen allele CA2739267311.
Genomic context (GRCh38, chr17:31,158,996, plus strand): 5'-CACTTTTCAGATGTGTGTTGATTGGTAGCAGAAAGTGAAACTAACTTTTATGTTCTGAAT[A>G]TCTTTTCTGTTAGAGAATATTTGGAGAAGCTGCTGAAAAAAATTTATATCTCTCTCAGTT-3'

ClinVar aggregate classification (germline): Likely benign. Review status: criteria provided, multiple submitters, no conflicts (2 of 4 stars). 2 submissions from 2 submitters: Likely benign (2). Last evaluated 2026-05-11.

Conditions:
Neurofibromatosis, type 1 (NF1). Also called: VON RECKLINGHAUSEN DISEASE; NEUROFIBROMATOSIS, TYPE I, SOMATIC; Neurofibromatosis, type I; Peripheral type neurofibromatosis. Identifiers: Orphanet 636, MedGen C0027831, MONDO:0018975, OMIM 162200. Disease mechanism: loss of function.

Submissions (2):

Myriad Genetics, Inc.
Classification: Likely benign for Neurofibromatosis, type 1. Last evaluated: 2026-05-11. Review status: criteria provided, single submitter. Criteria: Myriad Autosomal Dominant, Autosomal Recessive and X-Linked Classification Criteria (2023). Collection method: clinical testing. Allele origin: unknown.
Comment: This variant is considered likely benign. This variant is intronic and is not expected to impact mRNA splicing.

Labcorp Genetics (formerly Invitae), Labcorp
Classification: Likely benign for Neurofibromatosis, type 1. Last evaluated: 2023-07-20. Review status: criteria provided, single submitter. Criteria: Invitae Variant Classification Sherloc (09022015). Collection method: clinical testing. Allele origin: germline.